The following is an entry in ClinVar:

ClinVar aggregate classification (germline): Uncertain significance (1 of 4 stars; one submission).

Allele frequency attached by ClinVar (database versions not stated): TOPMed below 0.00001; gnomAD 0.00001.
gnomAD v4.1: 1 of 1,612,840 alleles (0.000062%); highest among the groups gnomAD compares: Non-Finnish European, 0.000085%; no homozygotes.

Submission:

Ambry Genetics
Classification: Uncertain significance. Last evaluated: 2023-05-19. Review status: criteria provided, single submitter. Criteria: Ambry Variant Classification Scheme 2023. Collection method: clinical testing. Allele origin: germline.
Comment: The p.Q142R variant (also known as c.425A>G), located in coding exon 1 of the EGLN2 gene, results from an A to G substitution at nucleotide position 425. The glutamine at codon 142 is replaced by arginine, an amino acid with highly similar properties. This amino acid position is conserved. In addition, this alteration is predicted to be tolerated by in silico analysis. Since supporting evidence is limited at this time, the clinical significance of this alteration remains unclear.

NM_080732.4(EGLN2):c.425A>G (p.Gln142Arg)

Genes: EGLN2 (egl-9 family hypoxia inducible factor 2; plus strand), RAB4B-EGLN2 (RAB4B-EGLN2 readthrough (NMD candidate); plus strand). Cytogenetic location: 19q13.2.
Variant type: single nucleotide variant.
Coding change: c.425A>G on transcript NM_080732.4 (MANE Select); coding-DNA position 425, A replaced by G.
Protein change: p.Gln142Arg; replaces glutamine 142 with arginine.
Molecular consequence: missense variant. On other transcripts: non-coding transcript variant (1).
Genome position (GRCh38, 1-based): chr19:40,800,997, A>G. VCF-style: chr19-40800997-A-G. GRCh37 (hg19) VCF-style: chr19-41306902-A-G.
Other names: c.425A>G, p.Gln142Arg (NM_053046.4); short protein forms Q142R.
Identifiers: ClinVar variation 2560620 (VCV002560620.2), dbSNP rs1303708979, ClinGen allele CA405955227.
Genomic context (GRCh38, chr19:40,800,997, plus strand): 5'-CCGAGGATGGTGGGGATGCCCCTTCACCCAGCAAACGGCCCTGGGCCAGGCAAGAGAACC[A>G]GGAGGCAGAGCGGGAGGGTGGCATGAGCTGCAGCTGCAGCAGTGGCAGTGGTGAGGCCAG-3'
Protein context (NP_542770.2, residues 132-152): SKRPWARQEN[Gln142Arg]EAEREGGMSC